The following is an entry in ClinVar:

ClinVar aggregate classification (germline): Uncertain significance. Review status: criteria provided, multiple submitters, no conflicts (2 of 4 stars). 3 submissions from 3 submitters: Uncertain significance (3). Last evaluated 2023-04-11.

Conditions:
CFHR5 deficiency. Identifiers: MedGen C3553720.
C3 glomerulonephritis. Also called: Nephropathy due to CFHR5 Deficiency; C3 GLOMERULOPATHY 3. Identifiers: Orphanet 329931, MedGen C4055342, MONDO:0013892, OMIM 614809.

Submissions (3):

Genome-Nilou Lab
Classification: Uncertain significance for C3 glomerulonephritis. Last evaluated: 2023-04-11. Review status: criteria provided, single submitter. Criteria: ACMG Guidelines, 2015. Collection method: clinical testing. Allele origin: germline. Affected: no.

Revvity Omics, Revvity
Classification: Uncertain significance for C3 glomerulonephritis. Last evaluated: 2021-04-19. Review status: criteria provided, single submitter. Criteria: ACMG Guidelines, 2015. Collection method: clinical testing. Allele origin: germline.

Baylor Genetics
Classification: Uncertain significance for C3 glomerulonephritis. Last evaluated: 2020-05-05. Review status: criteria provided, single submitter. Criteria: ACMG Guidelines, 2015. Collection method: clinical testing. Allele origin: unknown. Affected: yes.
Comment: This variant was determined to be of uncertain significance according to ACMG Guidelines, 2015 [PMID:25741868].

NM_030787.4(CFHR5):c.1A>G (p.Met1Val)

Gene: CFHR5 (complement factor H related 5; plus strand). Cytogenetic location: 1q31.3.
Variant type: single nucleotide variant.
Coding change: c.1A>G on transcript NM_030787.4 (MANE Select); coding-DNA position 1, A replaced by G.
Protein change: p.Met1Val; changes the start codon (methionine 1).
Molecular consequence: missense variant, initiator codon variant.
Genome position (GRCh38, 1-based): chr1:196,977,665, A>G. VCF-style: chr1-196977665-A-G. GRCh37 (hg19) VCF-style: chr1-196946795-A-G.
Other names: short protein forms M1V.
Identifiers: ClinVar variation 1028902 (VCV001028902.6), dbSNP rs1653430949, ClinGen allele CA343995701.